The following is an entry in ClinVar:

NC_000007.14:g.156763943G>T

Genes: LMBR1 (limb development membrane protein 1; minus strand), SHH (sonic hedgehog signaling molecule; minus strand). Cytogenetic location: 7q36.3.
Variant type: single nucleotide variant.
Molecular consequence: intron variant (on NM_022458.4).
Genome position: GRCh38 VCF-style: chr7-156763943-G-T. GRCh37 (hg19) VCF-style: chr7-156556637-G-T.
Other names: c.361-148C>A (NM_001363412.2); c.145-148C>A (NM_001350954.2); c.424-148C>A (NM_001363410.2, NM_022458.4, NM_001363409.2 and 1 more transcripts); c.-33-148C>A (NM_001350958.2, NM_001350956.2, NM_001350955.2 and 1 more transcripts); c.55-148C>A (NM_001350957.2, NM_001363411.2).
Identifiers: ClinVar variation 2020703 (VCV002020703.4), dbSNP rs190824239, ClinGen allele CA1109180728.

ClinVar aggregate classification (germline): Uncertain significance (1 of 4 stars; one submission).

Conditions:
Holoprosencephaly 3 (HPE3). Identifiers: Orphanet 2162, MedGen C1840529, MONDO:0007733, OMIM 142945.

gnomAD v4.1: 1 of 518,968 alleles (0.00019%); highest among the groups gnomAD compares: Non-Finnish European, 0.00032%; no homozygotes.

Submission:

Labcorp Genetics (formerly Invitae), Labcorp
Classification: Uncertain significance for Holoprosencephaly 3. Last evaluated: 2022-07-30. Review status: criteria provided, single submitter. Criteria: Invitae Variant Classification Sherloc (09022015). Collection method: clinical testing. Allele origin: germline.
Comment: This variant occurs in a non-coding region of the SHH gene. It does not change the encoded amino acid sequence of the SHH protein. This variant is not present in population databases (gnomAD no frequency). This variant has not been reported in the literature in individuals affected with SHH-related conditions. Experimental studies and prediction algorithms are not available or were not evaluated, and the effect of this variant on mRNA splicing is currently unknown. In summary, the available evidence is currently insufficient to determine the role of this variant in disease. Therefore, it has been classified as a Variant of Uncertain Significance.